The following is an entry in ClinVar:

NC_000005.9:g.(60790238_60817089)_(60842000_?)dup

Gene: ZSWIM6 (zinc finger SWIM-type containing 6; plus strand). Cytogenetic location: 5q12.1.
Variant type: Duplication.
Identifiers: ClinVar variation 4887801 (VCV004887801.1).

ClinVar aggregate classification (germline): Uncertain significance (1 of 4 stars; one submission).

Submission:

Women's Health and Genetics/Laboratory Corporation of America, LabCorp
Classification: Uncertain significance. Last evaluated: 2026-06-19. Review status: criteria provided, single submitter. Criteria: LabCorp Variant Classification Summary - May 2015. Collection method: clinical testing. Allele origin: germline.
Comment: Variant summary: The variant involves the duplication of exons 5-14 in the ZSWIM6 gene. A presumed nomenclature of c.(1333+1_1334-1)_(*1856_?)dup has been designated for the purposes of this classification. The exact breakpoint at the 3' end of this variant is unknown, therefore this duplication may extend downstream of the annotated region of the gene. As it duplicates the termination codon, its effect on the encoded protein is unknown. The variant allele was found at a frequency of 2.5e-05 in 120780 control chromosomes in the gnomAD database (Structural Variants v4.1 dataset). The available data on variant occurrences in the general population are insufficient to allow any conclusion about variant significance. To our knowledge, no occurrence of c.(1333+1_1334-1)_(*1856_?)dup in individuals affected with ZSWIM6-related conditions and no experimental evidence demonstrating its impact on protein function have been reported. ClinVar contains an entry for this variant (Variation ID: 1437642). Based on the evidence outlined above, the variant was classified as uncertain significance.